The following is an entry in ClinVar:

ClinVar aggregate classification (germline): Pathogenic. Review status: criteria provided, single submitter (1 of 4 stars). 2 submissions from 2 submitters: Pathogenic (1). 1 of the submissions does not count toward it. Last evaluated 2025-08-21.

Conditions:
Ornithine aminotransferase deficiency (GACR). Also called: OAT DEFICIENCY; HYPERORNITHINEMIA WITH GYRATE ATROPHY OF CHOROID AND RETINA; OKT DEFICIENCY; Ornithine ketoacid aminotransferase deficiency; Gyrate atrophy; Gyrate atrophy of choroid and retina. Identifiers: Orphanet 414, MedGen C0018425, MONDO:0009796, OMIM 258870.

Allele frequency attached by ClinVar (database versions not stated): gnomAD exomes below 0.00001.
gnomAD v4.1: 1 of 1,614,106 alleles (0.000062%); highest among the groups gnomAD compares: Non-Finnish European, 0.000085%; no homozygotes.

Submissions (2):

Labcorp Genetics (formerly Invitae), Labcorp
Classification: Pathogenic for Ornithine aminotransferase deficiency. Last evaluated: 2025-08-21. Review status: criteria provided, single submitter. Criteria: Invitae Variant Classification Sherloc (09022015). Collection method: clinical testing. Allele origin: germline.
Comment: This sequence change replaces alanine, which is neutral and non-polar, with proline, which is neutral and non-polar, at codon 270 of the OAT protein (p.Ala270Pro). This variant is not present in population databases (gnomAD no frequency). This missense change has been observed in individual(s) with gyrate atrophy (PMID: 1737786, 35856163; internal data). In at least one individual the data is consistent with being in trans (on the opposite chromosome) from a pathogenic variant. ClinVar contains an entry for this variant (Variation ID: 154). Invitae Evidence Modeling of protein sequence and biophysical properties (such as structural, functional, and spatial information, amino acid conservation, physicochemical variation, residue mobility, and thermodynamic stability) indicates that this missense variant is expected to disrupt OAT protein function with a positive predictive value of 80%. For these reasons, this variant has been classified as Pathogenic.

OMIM
Classification: Pathogenic for GYRATE ATROPHY OF CHOROID AND RETINA. Last evaluated: 1992-02-15. Review status: no assertion criteria provided. Collection method: literature only. Allele origin: germline. Not counted in ClinVar's aggregate classification.

Literature cited by the submitters: PubMed 1737786 (cited by Labcorp Genetics (formerly Invitae), Labcorp and OMIM); PubMed 35856163 (cited by Labcorp Genetics (formerly Invitae), Labcorp); PubMed 3339136 (cited by OMIM).

NM_000274.4(OAT):c.808G>C (p.Ala270Pro)

Gene: OAT (ornithine aminotransferase; minus strand). Cytogenetic location: 10q26.13.
Variant type: single nucleotide variant.
Coding change: c.808G>C on transcript NM_000274.4 (MANE Select); coding-DNA position 808, G replaced by C.
Protein change: p.Ala270Pro; replaces alanine 270 with proline.
Molecular consequence: missense variant.
Genome position (GRCh38, 1-based): chr10:124,403,019, C>G on the plus strand (G>C on the coding strand, the complement: OAT is on the minus strand). VCF-style: chr10-124403019-C-G. GRCh37 (hg19) VCF-style: chr10-126091588-C-G.
Other names: c.394G>C, p.Ala132Pro (NM_001171814.2); c.808G>C, p.Ala270Pro (NM_001322965.2, NM_001322966.2, NM_001322967.2 and 3 more transcripts); c.487G>C, p.Ala163Pro (NM_001322971.2); c.208G>C, p.Ala70Pro (NM_001322974.2); short protein forms A270P, A132P, A163P, A70P.
Identifiers: ClinVar variation 154 (VCV000000154.3), dbSNP rs121965041, ClinGen allele CA113934.